The following is an entry in ClinVar:

ClinVar aggregate classification (germline): Uncertain significance (1 of 4 stars; one submission).

Allele frequency attached by ClinVar (database versions not stated): TOPMed below 0.00001.

Submission:

Labcorp Genetics (formerly Invitae), Labcorp
Classification: Uncertain significance. Last evaluated: 2022-06-20. Review status: criteria provided, single submitter. Criteria: Invitae Variant Classification Sherloc (09022015). Collection method: clinical testing. Allele origin: germline.
Comment: In summary, the available evidence is currently insufficient to determine the role of this variant in disease. Therefore, it has been classified as a Variant of Uncertain Significance. Algorithms developed to predict the effect of missense changes on protein structure and function (SIFT, PolyPhen-2, Align-GVGD) all suggest that this variant is likely to be tolerated. This variant has not been reported in the literature in individuals affected with TRPM6-related conditions. This variant is not present in population databases (gnomAD no frequency). This sequence change replaces threonine, which is neutral and polar, with serine, which is neutral and polar, at codon 693 of the TRPM6 protein (p.Thr693Ser).

NM_017662.5(TRPM6):c.2077A>T (p.Thr693Ser)

Gene: TRPM6 (transient receptor potential cation channel subfamily M member 6; minus strand). Cytogenetic location: 9q21.13.
Variant type: single nucleotide variant.
Coding change: c.2077A>T on transcript NM_017662.5 (MANE Select); coding-DNA position 2077, A replaced by T.
Protein change: p.Thr693Ser; replaces threonine 693 with serine.
Molecular consequence: missense variant.
Genome position (GRCh38, 1-based): chr9:74,800,415, T>A on the plus strand (A>T on the coding strand, the complement: TRPM6 is on the minus strand). VCF-style: chr9-74800415-T-A. GRCh37 (hg19) VCF-style: chr9-77415331-T-A.
Other names: c.2062A>T, p.Thr688Ser (NM_001177310.2, NM_001177311.2); short protein forms T693S, T688S.
Identifiers: ClinVar variation 1362475 (VCV001362475.8), dbSNP rs1828282435, ClinGen allele CA373686553.
Genomic context (GRCh38, chr9:74,800,415, plus strand): 5'-ACACGGCCAGTTTAAGGCAGGTCGAATTGCTCCAGTTCCTGAGTTCATACGTCAACAGCG[T>A]CATGGCCATGCGCTCATTCTGCTTGAATGCCTTCTCCAACAAGTCCAGAGCCAGCTGGCC-3'
Protein context (NP_060132.3, residues 683-703): AFKQNERMAM[Thr693Ser]LLTYELRNWS